The following is an entry in ClinVar:

ClinVar aggregate classification (germline): Pathogenic. Review status: criteria provided, multiple submitters, no conflicts (2 of 4 stars). 2 submissions from 2 submitters: Pathogenic (2). Last evaluated 2022-05-26.

Conditions:
Isovaleryl-CoA dehydrogenase deficiency (IVA). Also called: IVD DEFICIENCY; Classic Isovaleric Acidemia; ISOVALERIC ACID CoA DEHYDROGENASE DEFICIENCY; Isovaleric acidemia. Identifiers: Orphanet 33, MedGen C0268575, MONDO:0009475, OMIM 243500.

Submissions (2):

Laboratorio de Genetica e Diagnostico Molecular, Hospital Israelita Albert Einstein
Classification: Pathogenic for Isovaleryl-CoA dehydrogenase deficiency. Last evaluated: 2022-05-26. Review status: criteria provided, single submitter. Criteria: ACMG Guidelines, 2015. Collection method: clinical testing. Allele origin: germline. Affected: yes. Observed: 1 variant allele.
Comment: ACMG classification criteria: PS1 strong, PM2 moderated, PP3 supporting

Mendelics
Classification: Pathogenic for Isovaleryl-CoA dehydrogenase deficiency. Last evaluated: 2019-05-28. Review status: criteria provided, single submitter. Criteria: Mendelics Assertion Criteria 2017. Collection method: clinical testing. Allele origin: unknown.

NM_002225.5(IVD):c.1009C>G (p.Arg337Gly)

Gene: IVD (isovaleryl-CoA dehydrogenase; plus strand). Cytogenetic location: 15q15.1.
Variant type: single nucleotide variant.
Coding change: c.1009C>G on transcript NM_002225.5 (MANE Select); coding-DNA position 1009, C replaced by G.
Protein change: p.Arg337Gly; replaces arginine 337 with glycine.
Molecular consequence: missense variant. On other transcripts: non-coding transcript variant (1).
Genome position (GRCh38, 1-based): chr15:40,416,126, C>G. VCF-style: chr15-40416126-C-G. GRCh37 (hg19) VCF-style: chr15-40708325-C-G.
Other names: c.919C>G, p.Arg307Gly (NM_001159508.3); c.961C>G, p.Arg321Gly (NM_001354597.3); c.1009C>G, p.Arg337Gly (NM_001354598.3, NM_001354601.3); c.1096C>G, p.Arg366Gly (NM_001354599.3, NM_001354600.3); short protein forms R321G, R337G, R366G, R307G.
Identifiers: ClinVar variation 803067 (VCV000803067.2), dbSNP rs776608445, ClinGen allele CA391722990.